The following is an entry in ClinVar:

ClinVar aggregate classification (germline): Likely benign. Review status: criteria provided, multiple submitters, no conflicts (2 of 4 stars). 4 submissions from 4 submitters: Likely benign (4). Last evaluated 2026-03-01.

Conditions:
MEGF8-related Carpenter syndrome. Also called: Carpenter syndrome 2. Identifiers: Orphanet 65759, MedGen C3554247, MONDO:0013998, OMIM 614976.

Allele frequency attached by ClinVar (database versions not stated): 1000 Genomes Project 30x 0.00047; 1000 Genomes Project 0.00060; ESP Exome Variant Server 0.00092; gnomAD exomes 0.00093 and 0.00114; gnomAD 0.00096 and 0.00099; ExAC 0.00104; TOPMed 0.00111.
gnomAD v4.1: 1,577 of 1,611,924 alleles (0.098%); highest among the groups gnomAD compares: Middle Eastern, 0.96%; 5 homozygotes.

Submissions (8):

CeGaT Center for Human Genetics Tuebingen
Classification: Likely benign. Last evaluated: 2026-03-01. Review status: criteria provided, single submitter. Criteria: CeGaT Center For Human Genetics Tuebingen Variant Classification Criteria Version 2. Collection method: clinical testing. Allele origin: germline. Affected: yes. Observed: 8 variant alleles.
Comment: MEGF8: BP4, BP7

Labcorp Genetics (formerly Invitae), Labcorp
Classification: Likely benign for MEGF8-related Carpenter syndrome. Last evaluated: 2025-12-14. Review status: criteria provided, single submitter. Criteria: Invitae Variant Classification Sherloc (09022015). Collection method: clinical testing. Allele origin: germline.

Blueprint Genetics
Classification: Likely benign. Last evaluated: 2024-11-20. Review status: criteria provided, single submitter. Criteria: ACMG Guidelines, 2015. Collection method: clinical testing. Allele origin: germline.

Breakthrough Genomics
Classification: Likely benign. Review status: criteria provided, single submitter. Criteria: ACMG Guidelines, 2015. Collection method: not provided. Allele origin: germline. Inheritance: Autosomal recessive inheritance. Affected: yes.

Dr. Peter K. Rogan Lab, Western University
No classification provided (evidence only). Condition: Colorectal cancer. Review status: no classification provided. Collection method: in vitro. Allele origin: not applicable. Functional consequence: skipped exon. Not counted in ClinVar's aggregate classification.

Dr. Peter K. Rogan Lab, Western University
No classification provided (evidence only). Condition: Cervical cancer. Review status: no classification provided. Collection method: in vitro. Allele origin: not applicable. Functional consequence: retained intron. Not counted in ClinVar's aggregate classification.

Dr. Peter K. Rogan Lab, Western University
No classification provided (evidence only). Condition: Gastric cancer. Review status: no classification provided. Collection method: in vitro. Allele origin: not applicable. Functional consequence: retained intron. Not counted in ClinVar's aggregate classification.

Dr. Peter K. Rogan Lab, Western University
No classification provided (evidence only). Condition: Malignant tumor of esophagus. Review status: no classification provided. Collection method: in vitro. Allele origin: not applicable. Functional consequence: retained intron. Not counted in ClinVar's aggregate classification.

NM_001271938.2(MEGF8):c.2454C>T (p.Ser818=)

Gene: MEGF8 (multiple EGF like domains 8; plus strand). Cytogenetic location: 19q13.2.
Variant type: single nucleotide variant.
Coding change: c.2454C>T on transcript NM_001271938.2 (MANE Select); coding-DNA position 2454, C replaced by T.
Protein change: p.Ser818=; no amino-acid change (serine 818 retained).
Molecular consequence: synonymous variant.
Genome position (GRCh38, 1-based): chr19:42,349,654, C>T. VCF-style: chr19-42349654-C-T. GRCh37 (hg19) VCF-style: chr19-42853806-C-T.
Other names: c.2253C>T, p.Ser751= (NM_001410.3).
Identifiers: ClinVar variation 707223 (VCV000707223.49), dbSNP rs140035679, ClinGen allele CA9474732.